The following is an entry in ClinVar:

ClinVar aggregate classification (germline): Uncertain significance (1 of 4 stars; one submission).

Allele frequency attached by ClinVar (database versions not stated): gnomAD exomes below 0.00001; ExAC 0.00001.
gnomAD v4.1: 1 of 1,614,168 alleles (0.000062%); highest among the groups gnomAD compares: Non-Finnish European, 0.000085%; no homozygotes.

Submission:

Labcorp Genetics (formerly Invitae), Labcorp
Classification: Uncertain significance. Last evaluated: 2022-05-03. Review status: criteria provided, single submitter. Criteria: Invitae Variant Classification Sherloc (09022015). Collection method: clinical testing. Allele origin: germline.
Comment: In summary, the available evidence is currently insufficient to determine the role of this variant in disease. Therefore, it has been classified as a Variant of Uncertain Significance. Algorithms developed to predict the effect of missense changes on protein structure and function are either unavailable or do not agree on the potential impact of this missense change (SIFT: "Tolerated"; PolyPhen-2: "Probably Damaging"; Align-GVGD: "Class C0"). This variant has not been reported in the literature in individuals affected with SLC7A14-related conditions. This variant is present in population databases (rs780254142, gnomAD 0.0009%). This sequence change replaces alanine, which is neutral and non-polar, with aspartic acid, which is acidic and polar, at codon 291 of the SLC7A14 protein (p.Ala291Asp).

NM_020949.3(SLC7A14):c.872C>A (p.Ala291Asp)

Genes: SLC7A14 (solute carrier family 7 member 14; minus strand), SLC7A14-AS1 (SLC7A14 antisense RNA 1; plus strand). Cytogenetic location: 3q26.2.
Variant type: single nucleotide variant.
Coding change: c.872C>A on transcript NM_020949.3 (MANE Select); coding-DNA position 872, C replaced by A.
Protein change: p.Ala291Asp; replaces alanine 291 with aspartic acid.
Molecular consequence: missense variant.
Genome position (GRCh38, 1-based): chr3:170,486,256, G>T on the plus strand (C>A on the coding strand, the complement: SLC7A14 is on the minus strand). VCF-style: chr3-170486256-G-T. GRCh37 (hg19) VCF-style: chr3-170204045-G-T.
Other names: short protein forms A291D.
Identifiers: ClinVar variation 2133050 (VCV002133050.4), dbSNP rs780254142, ClinGen allele CA2701788.